The following is an entry in ClinVar:

ClinVar aggregate classification (germline): Pathogenic. Review status: criteria provided, multiple submitters, no conflicts (2 of 4 stars). 5 submissions from 5 submitters: Pathogenic (4). 1 of the submissions does not count toward it. Last evaluated 2025-10-06.

Conditions:
Leber congenital amaurosis 15 (LCA15). Identifiers: Orphanet 65, MedGen C3151206, MONDO:0013457, OMIM 613843.
Retinitis pigmentosa 14 (RP14). Also called: RETINITIS PIGMENTOSA, JUVENILE, TULP1-RELATED. Identifiers: Orphanet 791, MedGen C1838603, MONDO:0010827, OMIM 600132.
TULP1-related disorder. Also called: TULP1-related condition; TULP1-related disorders.

Allele frequency attached by ClinVar (database versions not stated): TOPMed below 0.00001; gnomAD exomes 0.00010 and 0.00060; gnomAD 0.00011; ExAC 0.00030.

Submissions (5):

PreventionGenetics, part of Exact Sciences
Classification: Pathogenic for TULP1-related condition. Last evaluated: 2025-10-06. Review status: criteria provided, single submitter. Criteria: ACMG Guidelines, 2015. Collection method: clinical testing. Allele origin: germline.
Comment: The TULP1 c.148delG variant is predicted to result in a frameshift and premature protein termination (p.Glu50Asnfs*59). This variant has been reported in the homozygous state in individuals with retinal disease and is considered a founder mutation in the Finnish population (Widgren et al. 2016. PubMed ID: 26448634; Avela et al. 2019. PubMed ID: 31087526; Majander et al. 2022. PubMed ID: 36128853). This variant is present in 0.29% of alleles in individuals of European (Finnish) descent in gnomAD, indicating it is relatively common in this population. Frameshift variants in TULP1 are an established mechanism of disease. This variant is interpreted as pathogenic.

Labcorp Genetics (formerly Invitae), Labcorp
Classification: Pathogenic. Last evaluated: 2025-04-14. Review status: criteria provided, single submitter. Criteria: Invitae Variant Classification Sherloc (09022015). Collection method: clinical testing. Allele origin: germline.
Comment: This sequence change creates a premature translational stop signal (p.Glu50Asnfs*59) in the TULP1 gene. It is expected to result in an absent or disrupted protein product. Loss-of-function variants in TULP1 are known to be pathogenic (PMID: 8606774, 10549638, 15024725, 18055821). This variant is present in population databases (rs779910894, gnomAD 0.3%). This premature translational stop signal has been observed in individual(s) with TULP1-related conditions (PMID: 26448634, 29068140, 31087526). It has also been observed to segregate with disease in related individuals. ClinVar contains an entry for this variant (Variation ID: 977975). For these reasons, this variant has been classified as Pathogenic.

Blueprint Genetics
Classification: Pathogenic for TULP1-related disorders. Last evaluated: 2024-05-28. Review status: criteria provided, single submitter. Criteria: ACMG Guidelines, 2015. Collection method: clinical testing. Allele origin: de novo. Affected: yes. Observed: 5 variant alleles.

Fulgent Genetics
Classification: Pathogenic for Retinitis pigmentosa 14; Leber congenital amaurosis 15. Last evaluated: 2024-03-19. Review status: criteria provided, single submitter. Criteria: ACMG Guidelines, 2015. Collection method: clinical testing. Allele origin: germline.

Laboratory of Genetics in Ophthalmology, Institut Imagine
Classification: Pathogenic for Leber congenital amaurosis 15. Review status: no assertion criteria provided. Collection method: research. Allele origin: inherited. Affected: yes. Observed: 1 variant allele. Not counted in ClinVar's aggregate classification.

Literature cited by the submitters: PubMed 8606774 (cited by Labcorp Genetics (formerly Invitae), Labcorp); PubMed 10549638 (cited by Labcorp Genetics (formerly Invitae), Labcorp); PubMed 15024725 (cited by Labcorp Genetics (formerly Invitae), Labcorp); PubMed 18055821 (cited by Labcorp Genetics (formerly Invitae), Labcorp); PubMed 26448634 (cited by Labcorp Genetics (formerly Invitae), Labcorp and Laboratory of Genetics in Ophthalmology, Institut Imagine); PubMed 29068140 (cited by Labcorp Genetics (formerly Invitae), Labcorp); PubMed 31087526 (cited by Labcorp Genetics (formerly Invitae), Labcorp).

NM_003322.6(TULP1):c.148del (p.Glu50fs)

Gene: TULP1 (TUB like protein 1; minus strand). Cytogenetic location: 6p21.31.
Variant type: Deletion.
Coding change: c.148del on transcript NM_003322.6 (MANE Select); coding-DNA position 148, one base deleted (G; older notation c.148delG).
Protein change: p.Glu50fs; shifts the reading frame from glutamic acid 50.
Molecular consequence: frameshift variant.
Genome position (GRCh38, 1-based): chr6:35,512,222, C deleted on the plus strand (G on the coding strand, the reverse complement: TULP1 is on the minus strand). VCF-style (leftmost placement, unchanged base first): chr6-35512221-TC-T. GRCh37 (hg19) VCF-style: chr6-35479998-TC-T.
Other names: c.148delG (NM_003322.5); c.148del, p.Glu50fs (NM_001289395.2); short protein forms E50fs.
Identifiers: ClinVar variation 977975 (VCV000977975.7), dbSNP rs779910894, ClinGen allele CA3773008.
Genomic context (GRCh38, chr6:35,512,221, plus strand): 5'-GGCTCTGCACCCCGCCCACCTCCGGGCTTCCGGGGCTTGGATCCCGTGGGGCAGGGGGAT[TC>T]GGGGGCCTCCGTCCTCTTCTTCCTTAGCCTCTGTGCCGGGGCGGGTCGCTGCGGAACGGG-3'